The following is an entry in ClinVar:

NC_000002.11:g.(?_215645806)_(215649549_?)del

Gene: BARD1 (BRCA1 associated RING domain 1; minus strand). Cytogenetic location: 2q35.
Variant type: Deletion.
Identifiers: ClinVar variation 3247181 (VCV003247181.1).

ClinVar aggregate classification (germline): Likely pathogenic (1 of 4 stars; one submission).

Conditions:
Familial cancer of breast. Also called: BREAST CANCER, FAMILIAL; Hereditary breast cancer; hereditary breast carcinoma. Identifiers: Orphanet 227535, MedGen C0346153, MONDO:0016419, OMIM 114480. Disease mechanism: loss of function.

Submission:

Labcorp Genetics (formerly Invitae), Labcorp
Classification: Likely pathogenic for Familial cancer of breast. Last evaluated: 2019-11-07. Review status: criteria provided, single submitter. Criteria: Invitae Variant Classification Sherloc (09022015). Collection method: clinical testing. Allele origin: unknown.
Comment: In summary, the currently available evidence indicates that the variant is pathogenic, but additional data are needed to prove that conclusively. Therefore, this variant has been classified as Likely Pathogenic. Loss-of-function variants in BARD1 are known to be pathogenic (PMID: 20077502, 21344236). This variant has not been reported in the literature in individuals with BARD1-related conditions. This variant results in the deletion of part of exon 4 (c.365-3316_792del) of the BARD1 gene. It is expected to disrupt RNA splicing and likely results in an absent or disrupted protein product.

Literature cited by the submitters: PubMed 20077502; PubMed 21344236.